The following is an entry in ClinVar:

ClinVar aggregate classification (germline): Uncertain significance (1 of 4 stars; one submission).

Allele frequency attached by ClinVar (database versions not stated): gnomAD 0.00003; TOPMed 0.00003.
gnomAD v4.1: 16 of 1,612,488 alleles (0.00099%); highest among the groups gnomAD compares: Admixed American, 0.027%; no homozygotes.

Submission:

Labcorp Genetics (formerly Invitae), Labcorp
Classification: Uncertain significance. Last evaluated: 2025-11-04. Review status: criteria provided, single submitter. Criteria: Invitae Variant Classification Sherloc (09022015). Collection method: clinical testing. Allele origin: germline.
Comment: This sequence change falls in intron 12 of the ADGRE2 gene. It does not directly change the encoded amino acid sequence of the ADGRE2 protein. This variant is present in population databases (no rsID available, gnomAD 0.02%). This variant has not been reported in the literature in individuals affected with ADGRE2-related conditions. ClinVar contains an entry for this variant (Variation ID: 2194397). Algorithms developed to predict the effect of sequence changes on RNA splicing suggest that this variant may disrupt the consensus splice site. In summary, the available evidence is currently insufficient to determine the role of this variant in disease. Therefore, it has been classified as a Variant of Uncertain Significance.

NM_013447.4(ADGRE2):c.1193-6C>A

Gene: ADGRE2 (adhesion G protein-coupled receptor E2; minus strand). Cytogenetic location: 19p13.12.
Variant type: single nucleotide variant.
Coding change: c.1193-6C>A on transcript NM_013447.4 (MANE Select); 6 bases into the intron before coding-DNA position 1193, C replaced by A.
Molecular consequence: intron variant.
Genome position (GRCh38, 1-based): chr19:14,755,883, G>T on the plus strand (C>A on the coding strand, the complement: ADGRE2 is on the minus strand). VCF-style: chr19-14755883-G-T. GRCh37 (hg19) VCF-style: chr19-14866695-G-T.
Other names: c.1193-6C>A (NM_001271052.1).
Identifiers: ClinVar variation 2194397 (VCV002194397.4), dbSNP rs1429834995, ClinGen allele CA632127050.